The following is an entry in ClinVar:

ClinVar aggregate classification (germline): Uncertain significance (1 of 4 stars; one submission).

Conditions:
Hereditary nonpolyposis colorectal neoplasms. Identifiers: MedGen C0009405, MeSH D003123.

Submission:

Labcorp Genetics (formerly Invitae), Labcorp
Classification: Uncertain significance for Hereditary nonpolyposis colorectal neoplasms. Last evaluated: 2022-02-02. Review status: criteria provided, single submitter. Criteria: Invitae Variant Classification Sherloc (09022015). Collection method: clinical testing. Allele origin: germline.
Comment: In summary, the available evidence is currently insufficient to determine the role of this variant in disease. Therefore, it has been classified as a Variant of Uncertain Significance. Advanced modeling of protein sequence and biophysical properties (such as structural, functional, and spatial information, amino acid conservation, physicochemical variation, residue mobility, and thermodynamic stability) performed at Invitae indicates that this missense variant is not expected to disrupt PMS2 protein function. ClinVar contains an entry for this variant (Variation ID: 455674). This variant has not been reported in the literature in individuals affected with PMS2-related conditions. This variant is not present in population databases (gnomAD no frequency). This sequence change replaces serine, which is neutral and polar, with alanine, which is neutral and non-polar, at codon 624 of the PMS2 protein (p.Ser624Ala).

NM_000535.7(PMS2):c.1870T>G (p.Ser624Ala)

Gene: PMS2 (PMS1 homolog 2, mismatch repair system component; minus strand). Cytogenetic location: 7p22.1.
Variant type: single nucleotide variant.
Coding change: c.1870T>G on transcript NM_000535.7 (MANE Select); coding-DNA position 1870, T replaced by G.
Protein change: p.Ser624Ala; replaces serine 624 with alanine.
Molecular consequence: missense variant. On other transcripts: non-coding transcript variant (1).
Genome position (GRCh38, 1-based): chr7:5,986,895, A>C on the plus strand (T>G on the coding strand, the complement: PMS2 is on the minus strand). VCF-style: chr7-5986895-A-C. GRCh37 (hg19) VCF-style: chr7-6026526-A-C.
Other names: c.1465T>G, p.Ser489Ala (NM_001322003.2, NM_001322004.2, NM_001322005.2 and 1 more transcripts); c.1714T>G, p.Ser572Ala (NM_001322006.2); c.1552T>G, p.Ser518Ala (NM_001322007.2, NM_001322008.2); c.1309T>G, p.Ser437Ala (NM_001322010.2); c.937T>G, p.Ser313Ala (NM_001322011.2, NM_001322012.2); c.1297T>G, p.Ser433Ala (NM_001322013.2); c.1870T>G, p.Ser624Ala (NM_001322014.2); c.1561T>G, p.Ser521Ala (NM_001322015.2); short protein forms S624A, S521A, S313A, S572A, S433A, S518A, S437A, S489A.
Identifiers: ClinVar variation 455674 (VCV000455674.8), dbSNP rs63750980, ClinGen allele CA153227516.